The following is an entry in ClinVar:

ClinVar aggregate classification (germline): Likely benign. Review status: criteria provided, multiple submitters, no conflicts (2 of 4 stars). 3 submissions from 3 submitters: Likely benign (3). Last evaluated 2025-11-16.

Conditions:
Familial hemiplegic migraine. Identifiers: MedGen C0338484, MONDO:0000700.

Allele frequency attached by ClinVar (database versions not stated): ExAC 0.00002; gnomAD 0.00002 and 0.00003; gnomAD exomes 0.00002; TOPMed 0.00003.
gnomAD v4.1: 34 of 1,614,058 alleles (0.0021%); highest among the groups gnomAD compares: East Asian, 0.027%; no homozygotes.

Submissions (3):

Labcorp Genetics (formerly Invitae), Labcorp
Classification: Likely benign for Familial hemiplegic migraine. Last evaluated: 2025-11-16. Review status: criteria provided, single submitter. Criteria: Invitae Variant Classification Sherloc (09022015). Collection method: clinical testing. Allele origin: germline.

Blueprint Genetics
Classification: Likely benign. Last evaluated: 2024-05-22. Review status: criteria provided, single submitter. Criteria: ACMG Guidelines, 2015. Collection method: clinical testing. Allele origin: germline.

GeneDx
Classification: Likely benign. Last evaluated: 2015-11-25. Review status: criteria provided, single submitter. Criteria: GeneDx Variant Classification (06012015). Collection method: clinical testing. Allele origin: germline. Affected: yes.
Comment: This variant is considered likely benign or benign based on one or more of the following criteria: it is a conservative change, it occurs at a poorly conserved position in the protein, it is predicted to be benign by multiple in silico algorithms, and/or has population frequency not consistent with disease.

NM_000702.4(ATP1A2):c.1815C>T (p.Ser605=)

Gene: ATP1A2 (ATPase Na+/K+ transporting subunit alpha 2; plus strand). Cytogenetic location: 1q23.2.
Variant type: single nucleotide variant.
Coding change: c.1815C>T on transcript NM_000702.4 (MANE Select); coding-DNA position 1815, C replaced by T.
Protein change: p.Ser605=; no amino-acid change (serine 605 retained).
Molecular consequence: synonymous variant.
Genome position (GRCh38, 1-based): chr1:160,130,585, C>T. VCF-style: chr1-160130585-C-T. GRCh37 (hg19) VCF-style: chr1-160100375-C-T.
Identifiers: ClinVar variation 381947 (VCV000381947.9), dbSNP rs771651622, ClinGen allele CA1194580.